The following is an entry in ClinVar:

ClinVar aggregate classification (germline): Conflicting classifications of pathogenicity. Review status: criteria provided, conflicting classifications (1 of 4 stars). 3 submissions from 3 submitters: Uncertain significance (1); Likely benign (2). Last evaluated 2025-12-03.

Conditions:
Inborn genetic diseases. Identifiers: MedGen C0950123, MeSH D030342.

Allele frequency attached by ClinVar (database versions not stated): gnomAD exomes 0.00003; ExAC 0.00005; 1000 Genomes Project 0.00020; ESP Exome Variant Server 0.00023; gnomAD 0.00023; TOPMed 0.00026; 1000 Genomes Project 30x 0.00031.
gnomAD v4.1: 73 of 1,613,600 alleles (0.0045%); highest among the groups gnomAD compares: African/African-American, 0.097%; no homozygotes.

Submissions (3):

Labcorp Genetics (formerly Invitae), Labcorp
Classification: Likely benign. Last evaluated: 2025-12-03. Review status: criteria provided, single submitter. Criteria: Invitae Variant Classification Sherloc (09022015). Collection method: clinical testing. Allele origin: germline.

Ambry Genetics
Classification: Uncertain significance for Inborn genetic diseases. Last evaluated: 2025-10-02. Review status: criteria provided, single submitter. Criteria: Ambry Variant Classification Scheme 2023. Collection method: clinical testing. Allele origin: germline.

Mayo Clinic Laboratories, Mayo Clinic
Classification: Likely benign. Last evaluated: 2025-07-17. Review status: criteria provided, single submitter. Criteria: ACMG Guidelines, 2015. Collection method: clinical testing. Allele origin: germline. Observed: 1 variant allele.
Comment: BS1

NM_139027.6(ADAMTS13):c.406G>A (p.Glu136Lys)

Gene: ADAMTS13 (ADAM metallopeptidase with thrombospondin type 1 motif 13; plus strand). Cytogenetic location: 9q34.2.
Variant type: single nucleotide variant.
Coding change: c.406G>A on transcript NM_139027.6 (MANE Select); coding-DNA position 406, G replaced by A.
Protein change: p.Glu136Lys; replaces glutamic acid 136 with lysine.
Molecular consequence: missense variant. On other transcripts: non-coding transcript variant (1).
Genome position (GRCh38, 1-based): chr9:133,425,604, G>A. VCF-style: chr9-133425604-G-A. GRCh37 (hg19) VCF-style: chr9-136290724-G-A.
Other names: p.Glu136Lys; c.406G>A, p.Glu136Lys (NM_139025.5, NM_139026.6); c.406G>A (NM_139025.3); short protein forms E136K.
Identifiers: ClinVar variation 2169832 (VCV002169832.6), dbSNP rs142237685, ClinGen allele CA200881229.
Genomic context (GRCh38, chr9:133,425,604, plus strand): 5'-CGGGACCCGTCCCTGGGGGCTCAGTTTCGGGTGCACCTGGTGAAGATGGTCATTCTGACA[G>A]AGCCTGAGGTAGGCATGGAGCTGGAACTCAGCACACCATACAGAGCGGGAAGCCCAAGTC-3'
Protein context (NP_620596.2, residues 126-146): VHLVKMVILT[Glu136Lys]PEGAPNITAN